The following is an entry in ClinVar:

NM_005141.5(FGB):c.306+7_306+8delinsAA

Gene: FGB (fibrinogen beta chain; plus strand). Cytogenetic location: 4q31.3.
Variant type: Indel.
Coding change: c.306+7_306+8delinsAA on transcript NM_005141.5 (MANE Select); bases 7 to 8 of the intron after coding-DNA position 306, GC replaced by AA.
Molecular consequence: intron variant.
Genome position (GRCh38, 1-based): chr4:154,566,006-154,566,007, GC replaced by AA. VCF-style: chr4-154566006-GC-AA. GRCh37 (hg19) VCF-style: chr4-155487158-GC-AA.
Other names: c.165+148_165+149delinsAA (NM_001184741.1); c.306+7_306+8delinsAA (NM_001382761.1, NM_001382760.1, NM_001382765.1 and 4 more transcripts).
Identifiers: ClinVar variation 2637595 (VCV002637595.1), dbSNP rs2530769028, ClinGen allele CA2695198550.

ClinVar aggregate classification (germline): Uncertain significance (1 of 4 stars; one submission).

Submission:

Women's Health and Genetics/Laboratory Corporation of America, LabCorp
Classification: Uncertain significance. Last evaluated: 2023-10-04. Review status: criteria provided, single submitter. Criteria: LabCorp Variant Classification Summary - May 2015. Collection method: clinical testing. Allele origin: germline.
Comment: Variant summary: FGB c.306+7_306+8delinsAA is part of a multinucleotide combination of 4-155487158-G-A (c.306+7G>A) and 4-155487159-C-A (c.306+8C>A), and alters nucleotides located close to a canonical splice site and therefore could affect mRNA splicing, leading to a significantly altered protein sequence. Consensus agreement among computation tools predict no significant impact on normal splicing. However, these predictions have yet to be confirmed by functional studies. The variant allele was found at a frequency of 4.1e-06 in 245944 control chromosomes in the gnomAD database (as the aforementioned 2 SNVs with an identical allele count and reported as likely occuring in the same phase). The available data on variant occurrences in the general population are insufficient to allow any conclusion about variant significance. To our knowledge, no occurrence of c.306+7_306+8delinsAA in individuals affected with Congenital Afibrinogenemia or Congenital Dysfibrinogenemia and no experimental evidence demonstrating its impact on protein function have been reported. No submitters have cited clinical-significance assessments for this variant to ClinVar after 2014. Based on the evidence outlined above, the variant was classified as uncertain significance.